The following is an entry in ClinVar:

NC_000005.10:g.112848914T>C

Variant type: single nucleotide variant.
Genome position: GRCh38 VCF-style: chr5-112848914-T-C. GRCh37 (hg19) VCF-style: chr5-112184611-T-C.
Identifiers: ClinVar variation 82644 (VCV000082644.3), dbSNP rs77639923, ClinGen allele CA250784.

ClinVar aggregate classification (germline): other (0 of 4 stars; one submission).

Conditions:
Familial colorectal cancer. Identifiers: MedGen CN280943, MONDO:0023113. Disease mechanism: loss of function.

Submission:

Systems Biology Platform Zhejiang California International NanoSystems Institute
Classification: other for Familial colorectal cancer. Review status: no assertion criteria provided. Collection method: not provided. Allele origin: unknown.
ClinVar note: Converted during submission from cancer to other.